The following is an entry in ClinVar:

ClinVar aggregate classification (germline): Pathogenic (1 of 4 stars; one submission).

Conditions:
Hereditary cancer-predisposing syndrome. Also called: Neoplastic Syndromes, Hereditary; Tumor predisposition; Hereditary neoplastic syndrome; Hereditary Cancer Syndrome. Identifiers: Orphanet 140162, MedGen C0027672, MeSH D009386, MONDO:0015356.

Submission:

Ambry Genetics
Classification: Pathogenic for Hereditary cancer-predisposing syndrome. Last evaluated: 2025-09-03. Review status: criteria provided, single submitter. Criteria: Ambry Variant Classification Scheme 2023. Collection method: clinical testing. Allele origin: germline.
Comment: The c.7256delG pathogenic mutation, located in coding exon 48 of the ATM gene, results from a deletion of one nucleotide at nucleotide position 7256, causing a translational frameshift with a predicted alternate stop codon (p.R2419Kfs*6). This variant is considered to be rare based on population cohorts in the Genome Aggregation Database (gnomAD). This alteration is expected to result in loss of function by premature protein truncation or nonsense-mediated mRNA decay. As such, this alteration is interpreted as a disease-causing mutation.

NM_000051.4(ATM):c.7256del (p.Arg2419fs)

Genes: ATM (ATM serine/threonine kinase; plus strand), C11orf65 (chromosome 11 open reading frame 65; minus strand). Cytogenetic location: 11q22.3.
Variant type: Deletion.
Coding change: c.7256del on transcript NM_000051.4 (MANE Select); coding-DNA position 7256, one base deleted (G; older notation c.7256delG).
Protein change: p.Arg2419fs; shifts the reading frame from arginine 2419.
Molecular consequence: frameshift variant. On other transcripts: intron variant (2).
Genome position (GRCh38, 1-based): chr11:108,329,187, G deleted. VCF-style (leftmost placement, unchanged base first): chr11-108329186-AG-A. GRCh37 (hg19) VCF-style: chr11-108199913-AG-A.
Other names: c.7256del, p.Arg2419fs (NM_001351834.2); c.641-20116del (NM_001330368.2); c.*38+6033del (NM_001351110.2); short protein forms R2419fs.
Identifiers: ClinVar variation 4170292 (VCV004170292.1).
Genomic context (GRCh38, chr11:108,329,186, plus strand): 5'-CAAAGAATTGAAAACTACATGAAATCATCGGAATTTGAAAACAAGCAAGCTCTCCTGAAA[AG>A]AGCCAAAGAGGAAGTAGGTCTCCTTAGGGAACATAAAATTCAGACAAACAGGTAACTAGG-3'